The following is an entry in ClinVar:

NM_000059.4(BRCA2):c.9965_9966insA (p.Met3322fs)

Gene: BRCA2 (BRCA2 DNA repair associated; plus strand). Cytogenetic location: 13q13.1.
Variant type: Insertion.
Coding change: c.9965_9966insA on transcript NM_000059.4 (MANE Select); coding-DNA positions 9965 to 9966, A inserted.
Protein change: p.Met3322fs; shifts the reading frame from methionine 3322.
Molecular consequence: frameshift variant. On other transcripts: non-coding transcript variant (1).
Genome position: GRCh38 VCF-style: chr13-32398478-T-TA. GRCh37 (hg19) VCF-style: chr13-32972615-T-TA.
Other names: c.9965_9966insA, p.Met3322fs (NM_001432077.1); c.9869_9870insA, p.Met3290fs (NM_001406719.1); c.9914_9915insA, p.Met3305fs (NM_001406720.1); c.5033_5034insA, p.Met1678fs (NM_001406721.1); c.3548_3549insA, p.Met1183fs (NM_001406722.1); short protein forms M1678fs, M1183fs, M3305fs, M3290fs, M3322fs.
Identifiers: ClinVar variation 4215926 (VCV004215926.1).

ClinVar aggregate classification (germline): Uncertain significance (1 of 4 stars; one submission).

Conditions:
Hereditary cancer-predisposing syndrome. Also called: Hereditary Cancer Syndrome; Hereditary neoplastic syndrome; Neoplastic Syndromes, Hereditary; Tumor predisposition. Identifiers: Orphanet 140162, MedGen C0027672, MeSH D009386, MONDO:0015356.

Submission:

Ambry Genetics
Classification: Uncertain significance for Hereditary cancer-predisposing syndrome. Last evaluated: 2025-08-28. Review status: criteria provided, single submitter. Criteria: Ambry Variant Classification Scheme 2023. Collection method: clinical testing. Allele origin: germline.
Comment: The c.9965_9966insA variant, located in coding exon 26 of the BRCA2 gene, results from an insertion of one nucleotide at position 9965, causing a translational frameshift with a predicted alternate stop codon (p.M3322Ifs*5). This alteration occurs at the 3' terminus of the BRCA2 gene, is not expected to trigger nonsense-mediated mRNA decay, and impacts the last 97 amino acids of the protein. The exact functional effect of this alteration is unknown. Based on the available evidence, the clinical significance of this variant remains unclear.